The following is an entry in ClinVar:

ClinVar aggregate classification (germline): Uncertain significance (1 of 4 stars; one submission).

Allele frequency attached by ClinVar (database versions not stated): gnomAD 0.00001; TOPMed 0.00001.
gnomAD v4.1: 5 of 1,612,988 alleles (0.00031%); highest among the groups gnomAD compares: African/African-American, 0.0027%; no homozygotes.

Submission:

Labcorp Genetics (formerly Invitae), Labcorp
Classification: Uncertain significance. Last evaluated: 2025-02-10. Review status: criteria provided, single submitter. Criteria: Invitae Variant Classification Sherloc (09022015). Collection method: clinical testing. Allele origin: germline.
Comment: This sequence change falls in intron 4 of the TYMP gene. It does not directly change the encoded amino acid sequence of the TYMP protein. It affects a nucleotide within the consensus splice site. This variant is not present in population databases (gnomAD no frequency). This variant has not been reported in the literature in individuals affected with TYMP-related conditions. ClinVar contains an entry for this variant (Variation ID: 1978658). Variants that disrupt the consensus splice site are a relatively common cause of aberrant splicing (PMID: 17576681, 9536098). Algorithms developed to predict the effect of sequence changes on RNA splicing suggest that this variant may disrupt the consensus splice site. In summary, the available evidence is currently insufficient to determine the role of this variant in disease. Therefore, it has been classified as a Variant of Uncertain Significance.

Literature cited by the submitters: PubMed 17576681; PubMed 9536098.

NM_001953.5(TYMP):c.516+5G>A

Gene: TYMP (thymidine phosphorylase; minus strand). Cytogenetic location: 22q13.33.
Variant type: single nucleotide variant.
Coding change: c.516+5G>A on transcript NM_001953.5 (MANE Select); 5 bases into the intron after coding-DNA position 516, G replaced by A.
Molecular consequence: intron variant.
Genome position (GRCh38, 1-based): chr22:50,528,507, C>T on the plus strand (G>A on the coding strand, the complement: TYMP is on the minus strand). VCF-style: chr22-50528507-C-T. GRCh37 (hg19) VCF-style: chr22-50966936-C-T.
Other names: c.516+5G>A (NM_001257989.1, NM_001257988.1, NM_001113755.3 and 1 more transcripts).
Identifiers: ClinVar variation 1978658 (VCV001978658.2), dbSNP rs1401643572, ClinGen allele CA640048367.